The following is an entry in ClinVar:

NM_144997.7(FLCN):c.176G>T (p.Arg59Leu)

Gene: FLCN (folliculin; minus strand). Cytogenetic location: 17p11.2.
Variant type: single nucleotide variant.
Coding change: c.176G>T on transcript NM_144997.7 (MANE Select); coding-DNA position 176, G replaced by T.
Protein change: p.Arg59Leu; replaces arginine 59 with leucine.
Molecular consequence: missense variant.
Genome position (GRCh38, 1-based): chr17:17,227,962, C>A on the plus strand (G>T on the coding strand, the complement: FLCN is on the minus strand). VCF-style: chr17-17227962-C-A. GRCh37 (hg19) VCF-style: chr17-17131276-C-A.
Other names: c.176G>T, p.Arg59Leu (NM_001353229.2, NM_001353230.2, NM_001353231.2 and 1 more transcripts); short protein forms R59L.
Identifiers: ClinVar variation 820049 (VCV000820049.15), dbSNP rs374969279, ClinGen allele CA8416507.

ClinVar aggregate classification (germline): Conflicting classifications of pathogenicity. Review status: criteria provided, conflicting classifications (1 of 4 stars). 5 submissions from 5 submitters: Uncertain significance (3); Likely benign (2). Last evaluated 2025-02-10.

Conditions:
Hereditary cancer-predisposing syndrome. Also called: Hereditary Cancer Syndrome; Neoplastic Syndromes, Hereditary; Hereditary neoplastic syndrome; Tumor predisposition. Identifiers: Orphanet 140162, MedGen C0027672, MeSH D009386, MONDO:0015356.
Birt-Hogg-Dube syndrome. Also called: Birt Hogg Dubé syndrome. Identifiers: Orphanet 122, MedGen C0346010, MONDO:0800444.
Nonpapillary renal cell carcinoma. Identifiers: Orphanet 422526, MedGen CN074294, MONDO:0007763, OMIM 144700.
Birt-Hogg-Dube syndrome 1 (BHD1). Also called: FIBROFOLLICULOMAS WITH TRICHODISCOMAS AND ACROCHORDONS. Identifiers: Orphanet 122, MedGen CN375946, MONDO:0800445, OMIM 135150.
Familial spontaneous pneumothorax (PSP). Identifiers: Orphanet 2903, MedGen C1868193, MONDO:0008259, OMIM 173600.
Colorectal cancer. Also called: Malignant Colorectal Neoplasm; Colorectal cancer, somatic. Identifiers: MedGen C0346629, MONDO:0005575, OMIM 114500.

gnomAD v4.1: 6 of 1,614,174 alleles (0.00037%); highest among the groups gnomAD compares: South Asian, 0.0033%; no homozygotes.

Submissions (5):

Labcorp Genetics (formerly Invitae), Labcorp
Classification: Uncertain significance for Birt-Hogg-Dube syndrome. Last evaluated: 2025-02-10. Review status: criteria provided, single submitter. Criteria: Invitae Variant Classification Sherloc (09022015). Collection method: clinical testing. Allele origin: germline.
Comment: This sequence change replaces arginine, which is basic and polar, with leucine, which is neutral and non-polar, at codon 59 of the FLCN protein (p.Arg59Leu). This variant is present in population databases (rs374969279, gnomAD 0.003%). This variant has not been reported in the literature in individuals affected with FLCN-related conditions. ClinVar contains an entry for this variant (Variation ID: 820049). Invitae Evidence Modeling of protein sequence and biophysical properties (such as structural, functional, and spatial information, amino acid conservation, physicochemical variation, residue mobility, and thermodynamic stability) indicates that this missense variant is not expected to disrupt FLCN protein function with a negative predictive value of 80%. In summary, the available evidence is currently insufficient to determine the role of this variant in disease. Therefore, it has been classified as a Variant of Uncertain Significance.

Myriad Genetics, Inc.
Classification: Likely benign for Birt-Hogg-Dube syndrome 1. Last evaluated: 2024-08-09. Review status: criteria provided, single submitter. Criteria: Myriad Autosomal Dominant, Autosomal Recessive and X-Linked Classification Criteria (2023). Collection method: clinical testing. Allele origin: unknown.
Comment: This variant is considered likely benign. This variant has been observed at a population frequency that is significantly greater than expected given the associated disease prevalence and penetrance.

Fulgent Genetics
Classification: Uncertain significance for Colorectal cancer; Birt-Hogg-Dube syndrome 1; Nonpapillary renal cell carcinoma; Familial spontaneous pneumothorax. Last evaluated: 2024-04-23. Review status: criteria provided, single submitter. Criteria: ACMG Guidelines, 2015. Collection method: clinical testing. Allele origin: germline.

Baylor Genetics
Classification: Uncertain significance for Birt-Hogg-Dube syndrome 1. Last evaluated: 2023-12-01. Review status: criteria provided, single submitter. Criteria: ACMG Guidelines, 2015. Collection method: clinical testing. Allele origin: unknown.

Ambry Genetics
Classification: Likely benign for Hereditary cancer-predisposing syndrome. Last evaluated: 2023-09-13. Review status: criteria provided, single submitter. Criteria: Ambry Variant Classification Scheme 2023. Collection method: clinical testing. Allele origin: germline.